The following is an entry in ClinVar:

ClinVar aggregate classification (germline): Likely pathogenic (1 of 4 stars; one submission).

Conditions:
FBXO11-related disorder. Also called: FBXO11-related condition.

Submission:

PreventionGenetics, part of Exact Sciences
Classification: Likely pathogenic for FBXO11-related condition. Last evaluated: 2022-12-27. Review status: criteria provided, single submitter. Criteria: ACMG Guidelines, 2015. Collection method: clinical testing. Allele origin: germline.
Comment: The FBXO11 c.2143A>C variant is predicted to result in the amino acid substitution p.Lys715Gln. To our knowledge, this variant has not been reported in the literature or in a large population database, indicating this variant is rare. A variant altering the same amino acid residue, c.2145G>C p.(Lys715Asn), was reported to have arisen de novo in two individuals with intellectual developmental disorder with dysmorphic facies and behavioral abnormalities (see individuals 8 and 17 in Jansen et al. 2019. PubMed ID: 30679813). This variant is interpreted as likely pathogenic.

NM_001190274.2(FBXO11):c.2143A>C (p.Lys715Gln)

Gene: FBXO11 (F-box protein 11; minus strand). Cytogenetic location: 2p16.3.
Variant type: single nucleotide variant.
Coding change: c.2143A>C on transcript NM_001190274.2 (MANE Select); coding-DNA position 2143, A replaced by C.
Protein change: p.Lys715Gln; replaces lysine 715 with glutamine.
Molecular consequence: missense variant.
Genome position (GRCh38, 1-based): chr2:47,813,318, T>G on the plus strand (A>C on the coding strand, the complement: FBXO11 is on the minus strand). VCF-style: chr2-47813318-T-G. GRCh37 (hg19) VCF-style: chr2-48040457-T-G.
Other names: c.1891A>C, p.Lys631Gln (NM_001374325.1, NM_025133.4); short protein forms K631Q, K715Q.
Identifiers: ClinVar variation 2629408 (VCV002629408.1), dbSNP rs2531003311, ClinGen allele CA346763346.